The following is an entry in ClinVar:

ClinVar aggregate classification (germline): Uncertain significance. Review status: criteria provided, multiple submitters, no conflicts (2 of 4 stars). 2 submissions from 2 submitters: Uncertain significance (2). Last evaluated 2024-11-18.

gnomAD v4.1: 13 of 1,324,958 alleles (0.00098%); highest among the groups gnomAD compares: Non-Finnish European, 0.0012%; no homozygotes.

Submissions (2):

Labcorp Genetics (formerly Invitae), Labcorp
Classification: Uncertain significance. Last evaluated: 2024-11-18. Review status: criteria provided, single submitter. Criteria: Invitae Variant Classification Sherloc (09022015). Collection method: clinical testing. Allele origin: germline.
Comment: This sequence change replaces arginine, which is basic and polar, with tryptophan, which is neutral and slightly polar, at codon 22 of the AUTS2 protein (p.Arg22Trp). This variant is not present in population databases (gnomAD no frequency). This variant has not been reported in the literature in individuals affected with AUTS2-related conditions. ClinVar contains an entry for this variant (Variation ID: 1205753). An algorithm developed to predict the effect of missense changes on protein structure and function (PolyPhen-2) suggests that this variant is likely to be disruptive. In summary, the available evidence is currently insufficient to determine the role of this variant in disease. Therefore, it has been classified as a Variant of Uncertain Significance.

GeneDx
Classification: Uncertain significance. Last evaluated: 2022-04-20. Review status: criteria provided, single submitter. Criteria: GeneDx Variant Classification Process June 2021. Collection method: clinical testing. Allele origin: germline. Affected: yes.
Comment: Not observed at significant frequency in large population cohorts (gnomAD); In silico analysis supports that this missense variant has a deleterious effect on protein structure/function; Has not been previously published as pathogenic or benign to our knowledge; This variant is associated with the following publications: (PMID: 27535533)

NM_015570.4(AUTS2):c.64C>T (p.Arg22Trp)

Gene: AUTS2 (activator of transcription and developmental regulator AUTS2; plus strand). Cytogenetic location: 7q11.22.
Variant type: single nucleotide variant.
Coding change: c.64C>T on transcript NM_015570.4 (MANE Select); coding-DNA position 64, C replaced by T.
Protein change: p.Arg22Trp; replaces arginine 22 with tryptophan.
Molecular consequence: missense variant.
Genome position (GRCh38, 1-based): chr7:69,599,717, C>T. VCF-style: chr7-69599717-C-T. GRCh37 (hg19) VCF-style: chr7-69064703-C-T.
Other names: c.64C>T, p.Arg22Trp (NM_001127231.3, NM_001127232.3); short protein forms R22W.
Identifiers: ClinVar variation 1205753 (VCV001205753.7), dbSNP rs1263138285, ClinGen allele CA367702791.
Genomic context (GRCh38, chr7:69,599,717, plus strand): 5'-GATGGCCCGACGCGGGGCCATGGACTCCGCAAAAAGCGGCGGTCGCGGTCGCAGCGAGAC[C>T]GGGAGAGGCGCTCCCGGGGCGGGCTGGGGGCCGGCGCGGCCGGCGGCGGCGGGGCTGGCC-3'
Protein context (NP_056385.1, residues 12-32): KKRRSRSQRD[Arg22Trp]ERRSRGGLGA